The following is an entry in ClinVar:

ClinVar aggregate classification (germline): Uncertain significance. Review status: criteria provided, multiple submitters, no conflicts (2 of 4 stars). 4 submissions from 4 submitters: Uncertain significance (4). Last evaluated 2026-02-01.

Conditions:
Facial dysmorphism-immunodeficiency-livedo-short stature syndrome. Also called: Facial dysmorphism, immunodeficiency, livedo, and short stature; FILS syndrome. Identifiers: Orphanet 352712, MedGen C3554576, MONDO:0014058, OMIM 615139.
Colorectal cancer, susceptibility to, 12 (CRCS12). Also called: COLORECTAL CANCER, SUSCEPTIBILITY TO, ON CHROMOSOME 12q24. Identifiers: Orphanet 220460, MedGen C3554460, MONDO:0014038, OMIM 615083.
Intrauterine growth retardation, metaphyseal dysplasia, adrenal hypoplasia congenita, genital anomalies, and immunodeficiency. Also called: IMAGEI SYNDROME. Identifiers: MedGen C5193036, MONDO:0032684, OMIM 618336.
Hereditary cancer-predisposing syndrome. Also called: Neoplastic Syndromes, Hereditary; Hereditary Cancer Syndrome; Hereditary neoplastic syndrome; Tumor predisposition. Identifiers: Orphanet 140162, MedGen C0027672, MeSH D009386, MONDO:0015356.

gnomAD v4.1: 10 of 1,614,188 alleles (0.00062%); highest among the groups gnomAD compares: East Asian, 0.022%; no homozygotes.

Submissions (4):

Labcorp Genetics (formerly Invitae), Labcorp
Classification: Uncertain significance. Last evaluated: 2026-02-01. Review status: criteria provided, single submitter. Criteria: Invitae Variant Classification Sherloc (09022015). Collection method: clinical testing. Allele origin: germline.
Comment: This sequence change replaces serine, which is neutral and polar, with cysteine, which is neutral and slightly polar, at codon 1242 of the POLE protein (p.Ser1242Cys). This variant is present in population databases (rs373213156, gnomAD 0.03%). This variant has not been reported in the literature in individuals affected with POLE-related conditions. ClinVar contains an entry for this variant (Variation ID: 540688). Invitae Evidence Modeling of protein sequence and biophysical properties (such as structural, functional, and spatial information, amino acid conservation, physicochemical variation, residue mobility, and thermodynamic stability) indicates that this missense variant is not expected to disrupt POLE protein function with a negative predictive value of 80%. In summary, the available evidence is currently insufficient to determine the role of this variant in disease. Therefore, it has been classified as a Variant of Uncertain Significance.

Ambry Genetics
Classification: Uncertain significance for Hereditary cancer-predisposing syndrome. Last evaluated: 2025-07-15. Review status: criteria provided, single submitter. Criteria: Ambry Variant Classification Scheme 2023. Collection method: clinical testing. Allele origin: germline.
Comment: The p.S1242C variant (also known as c.3725C>G), located in coding exon 30 of the POLE gene, results from a C to G substitution at nucleotide position 3725. The serine at codon 1242 is replaced by cysteine, an amino acid with dissimilar properties. This amino acid position is well conserved in available vertebrate species. In addition, the in silico prediction for this alteration is inconclusive. Based on the available evidence, the clinical significance of this variant remains unclear.

Fulgent Genetics
Classification: Uncertain significance for Colorectal cancer, susceptibility to, 12; Facial dysmorphism-immunodeficiency-livedo-short stature syndrome; Intrauterine growth retardation, metaphyseal dysplasia, adrenal hypoplasia congenita, genital anomalies, and immunodeficiency. Last evaluated: 2024-02-01. Review status: criteria provided, single submitter. Criteria: ACMG Guidelines, 2015. Collection method: clinical testing. Allele origin: germline.

GeneDx
Classification: Uncertain significance. Last evaluated: 2019-09-18. Review status: criteria provided, single submitter. Criteria: GeneDx Variant Classification Process June 2021. Collection method: clinical testing. Allele origin: germline. Affected: yes.
Comment: In silico analysis, which includes protein predictors and evolutionary conservation, supports that this variant does not alter protein structure/function; Has not been previously published as pathogenic or benign to our knowledge

NM_006231.4(POLE):c.3725C>G (p.Ser1242Cys)

Gene: POLE (DNA polymerase epsilon, catalytic subunit; minus strand). Cytogenetic location: 12q24.33.
Variant type: single nucleotide variant.
Coding change: c.3725C>G on transcript NM_006231.4 (MANE Select); coding-DNA position 3725, C replaced by G.
Protein change: p.Ser1242Cys; replaces serine 1242 with cysteine.
Molecular consequence: missense variant.
Genome position (GRCh38, 1-based): chr12:132,649,747, G>C on the plus strand (C>G on the coding strand, the complement: POLE is on the minus strand). VCF-style: chr12-132649747-G-C. GRCh37 (hg19) VCF-style: chr12-133226333-G-C.
Other names: c.3725C>G (NM_006231.2); short protein forms S1242C.
Identifiers: ClinVar variation 540688 (VCV000540688.13), dbSNP rs373213156, ClinGen allele CA6893129.